The following is an entry in ClinVar:

NM_000460.4(THPO):c.754del (p.Glu252fs)

Gene: THPO (thrombopoietin; minus strand). Cytogenetic location: 3q27.1.
Variant type: Deletion.
Coding change: c.754del on transcript NM_000460.4 (MANE Select); coding-DNA position 754, one base deleted (G; older notation c.754delG).
Protein change: p.Glu252fs; shifts the reading frame from glutamic acid 252.
Molecular consequence: frameshift variant.
Genome position (GRCh38, 1-based): chr3:184,372,821, C deleted on the plus strand (G on the coding strand, the reverse complement: THPO is on the minus strand). VCF-style (leftmost placement, unchanged base first): chr3-184372820-TC-T. GRCh37 (hg19) VCF-style: chr3-184090608-TC-T.
Other names: c.742del, p.Glu248fs (NM_001177597.2, NM_001290022.1); c.737del, p.Arg246fs (NM_001177598.2, NM_001290026.1); c.638del, p.Arg213fs (NM_001289997.1, NM_001290027.1); c.754del, p.Glu252fs (NM_001289998.1, NM_001290028.1); c.1174del, p.Glu392fs (NM_001290003.1); short protein forms E248fs, E252fs, E392fs, R213fs, R246fs.
Identifiers: ClinVar variation 3342160 (VCV003342160.16).
Genomic context (GRCh38, chr3:184,372,820, plus strand): 5'-GGGGCTCCTAGGGTCCTGCGTGAGGGTCCAGGAAAGAGTCCACGAGTTCCATTCAAGAGT[TC>T]GTGTATCCTGTTCAGGTATCCGGGGATTTGGTCCAGGGACCTGGAGGTTTGGTTCAGCAG-3'

ClinVar aggregate classification (germline): Likely pathogenic (1 of 4 stars; one submission).

Submission:

CeGaT Center for Human Genetics Tuebingen
Classification: Likely pathogenic. Last evaluated: 2024-08-01. Review status: criteria provided, single submitter. Criteria: CeGaT Center For Human Genetics Tuebingen Variant Classification Criteria Version 2. Collection method: clinical testing. Allele origin: germline. Affected: yes. Observed: 1 variant allele.
Comment: THPO: PVS1:Strong, PM2